The following is an entry in ClinVar:

NM_054012.4(ASS1):c.710dup (p.Asn237fs)

Gene: ASS1 (argininosuccinate synthase 1; plus strand). Cytogenetic location: 9q34.11.
Variant type: Duplication.
Coding change: c.710dup on transcript NM_054012.4 (MANE Select); coding-DNA position 710, one base duplicated (A; older notation c.710dupA).
Protein change: p.Asn237fs; shifts the reading frame from asparagine 237.
Molecular consequence: frameshift variant.
Genome position (GRCh38, 1-based): chr9:130,479,737, A duplicated; the last of 2 consecutive A bases (chr9:130,479,736-130,479,737); duplicating either gives the same sequence. VCF-style (leftmost placement, unchanged base first): chr9-130479735-C-CA. GRCh37 (hg19) VCF-style: chr9-133355122-C-CA.
Other names: c.710dup, p.Asn237fs (NM_000050.4); short protein forms N237fs.
Identifiers: ClinVar variation 5011942 (VCV005011942.1).

ClinVar aggregate classification (germline): Pathogenic (1 of 4 stars; one submission).

Conditions:
Citrullinemia type I (CTNL1). Also called: ASS DEFICIENCY; argininosuccinate synthetase deficiency. Identifiers: Orphanet 247525, MedGen C4721769, MONDO:0008988, OMIM 215700.

Submission:

Myriad Genetics, Inc.
Classification: Pathogenic for Citrullinemia type I. Last evaluated: 2023-09-27. Review status: criteria provided, single submitter. Criteria: Myriad Autosomal Dominant, Autosomal Recessive and X-Linked Classification Criteria (2023). Collection method: clinical testing. Allele origin: unknown.
Comment: NM_000050.4(ASS1):c.710dupA(N237Kfs*31) is expected to be pathogenic in the context of citrullinemia type 1. This variant is predicted to lead to an abnormal or absent protein product due to the creation of a premature termination codon in ASS1, a gene where loss-of-function variants are known to be pathogenic. Please note: this variant was assessed in the context of healthy population screening.